The following is an entry in ClinVar:

NM_006379.5(SEMA3C):c.233A>G (p.Asn78Ser)

Gene: SEMA3C (semaphorin 3C; minus strand). Cytogenetic location: 7q21.11.
Variant type: single nucleotide variant.
Coding change: c.233A>G on transcript NM_006379.5 (MANE Select); coding-DNA position 233, A replaced by G.
Protein change: p.Asn78Ser; replaces asparagine 78 with serine.
Molecular consequence: missense variant.
Genome position (GRCh38, 1-based): chr7:80,828,616, T>C on the plus strand (A>G on the coding strand, the complement: SEMA3C is on the minus strand). VCF-style: chr7-80828616-T-C. GRCh37 (hg19) VCF-style: chr7-80457932-T-C.
Other names: c.287A>G, p.Asn96Ser (NM_001350120.2); c.59A>G, p.Asn20Ser (NM_001350121.2); short protein forms N96S, N20S, N78S.
Identifiers: ClinVar variation 5000180 (VCV005000180.1).
Genomic context (GRCh38, chr7:80,828,616, plus strand): 5'-CACTGTCCTCGTGAAAGTGATAAACTTACACTCAAAGCTTCTTGACTTATATTGTTAATA[T>C]TCAGGGAAAGAATGTGATCTTTGCTTCCCACATATATCCGGTCCTGATCTTCATCCATTA-3'
Protein context (NP_006370.1, residues 68-88): VGSKDHILSL[Asn78Ser]INNISQEALS

ClinVar aggregate classification (germline): Uncertain significance (1 of 4 stars; one submission).

Conditions:
SEMA3C-related disorder. Also called: SEMA3C-related condition.

gnomAD v4.1: 1 of 1,610,008 alleles (0.000062%); no homozygotes.

Submission:

PreventionGenetics, part of Exact Sciences
Classification: Uncertain significance for SEMA3C-related condition. Last evaluated: 2024-10-31. Review status: criteria provided, single submitter. Criteria: ACMG Guidelines, 2015. Collection method: clinical testing. Allele origin: germline.
Comment: The SEMA3C c.287A>G variant is predicted to result in the amino acid substitution p.Asn96Ser. To our knowledge, this variant has not been reported in the literature or in a large population database (gnomAD), indicating this variant is rare. At this time, the clinical significance of this variant is uncertain due to the absence of conclusive functional and genetic evidence.